The following is an entry in ClinVar:

ClinVar aggregate classification (germline): Uncertain significance. Review status: criteria provided, multiple submitters, no conflicts (2 of 4 stars). 5 submissions from 5 submitters: Uncertain significance (5). Last evaluated 2025-02-27.

Conditions:
Familial thoracic aortic aneurysm and aortic dissection (TAAD). Also called: Thoracic aortic aneurysms and dissections. Identifiers: Orphanet 91387, MedGen C4707243, MONDO:0019625.
Multisystemic smooth muscle dysfunction syndrome (SMDYS). Also called: MYDRIASIS, CONGENITAL, WITH PATENT DUCTUS ARTERIOSUS, THORACIC AORTIC ANEURYSM, AND VASCULOPATHY; SMOOTH MUSCLE DYSFUNCTION SYNDROME. Identifiers: Orphanet 404463, MedGen C3151201, MONDO:0013452, OMIM 613834.
Moyamoya disease 5 (MYMY5). Identifiers: Orphanet 2573, MedGen C3279690, MONDO:0013542, OMIM 614042.
Aortic aneurysm, familial thoracic 6 (AAT6). Also called: FAMILIAL THORACIC AORTIC ANEURYSM WITH LIVEDO RETICULARIS AND IRIS FLOCCULI. Identifiers: MedGen C2673186, MONDO:0012730, OMIM 611788.

Allele frequency attached by ClinVar (database versions not stated): gnomAD exomes below 0.00001; ExAC 0.00001; gnomAD 0.00001; TOPMed 0.00001.
gnomAD v4.1: 3 of 1,613,942 alleles (0.00019%); highest among the groups gnomAD compares: African/African-American, 0.0027%; no homozygotes.

Submissions (5):

Ambry Genetics
Classification: Uncertain significance for Familial thoracic aortic aneurysm and aortic dissection. Last evaluated: 2025-02-27. Review status: criteria provided, single submitter. Criteria: Ambry Variant Classification Scheme 2023. Collection method: clinical testing. Allele origin: germline.

All of Us Research Program, National Institutes of Health
Classification: Uncertain significance for Familial thoracic aortic aneurysm and aortic dissection. Last evaluated: 2024-05-14. Review status: criteria provided, single submitter. Criteria: ACMG Guidelines, 2015. Collection method: clinical testing. Allele origin: germline. Inheritance: Autosomal dominant inheritance. Observed: 1 variant allele, 1 heterozygote.
Comment: Variant of Uncertain Significance due to insufficient evidence: This missense variant replaces alanine with glycine at codon 230 of the ACTA2 protein. Computational prediction tools and conservation analyses are inconclusive regarding the impact of this variant on the protein function. Computational splicing tools suggest that this variant may not impact RNA splicing. To our knowledge, functional assays have not been performed for this variant nor has this variant been reported in individuals affected with cardiovascular disorders in the literature. This variant has been identified in 1/245612 chromosomes in the general population by the Genome Aggregation Database (gnomAD). Available evidence is insufficient to determine the role of this variant in disease conclusively.

This study involves interpretation of variants in research participants for the purpose of population health screening. Participant phenotype was not available at the time of variant classification. Additional details can be found in publication PMID: 35346344, PMCID: PMC8962531

Color Diagnostics, LLC DBA Color Health
Classification: Uncertain significance for Familial thoracic aortic aneurysm and aortic dissection. Last evaluated: 2023-12-04. Review status: criteria provided, single submitter. Criteria: ACMG Guidelines, 2015. Collection method: clinical testing. Allele origin: germline.
Comment: Variant of Uncertain Significance due to insufficient evidence: This missense variant replaces alanine with glycine at codon 230 of the ACTA2 protein. Computational prediction tools and conservation analyses are inconclusive regarding the impact of this variant on the protein function. Computational splicing tools suggest that this variant may not impact RNA splicing. To our knowledge, functional assays have not been performed for this variant nor has this variant been reported in individuals affected with cardiovascular disorders in the literature. This variant has been identified in 1/245612 chromosomes in the general population by the Genome Aggregation Database (gnomAD). Available evidence is insufficient to determine the role of this variant in disease conclusively.

Revvity Omics, Revvity
Classification: Uncertain significance. Last evaluated: 2022-11-28. Review status: criteria provided, single submitter. Criteria: ACMG Guidelines, 2015. Collection method: clinical testing. Allele origin: germline.

Fulgent Genetics
Classification: Uncertain significance for Aortic aneurysm, familial thoracic 6; Multisystemic smooth muscle dysfunction syndrome; Moyamoya disease 5. Last evaluated: 2021-08-13. Review status: criteria provided, single submitter. Criteria: ACMG Guidelines, 2015. Collection method: clinical testing. Allele origin: unknown.

NM_001613.4(ACTA2):c.689C>G (p.Ala230Gly)

Genes: ACTA2 (actin alpha 2, smooth muscle; minus strand), ACTA2-AS1 (ACTA2 antisense RNA 1; plus strand). Cytogenetic location: 10q23.31.
Variant type: single nucleotide variant.
Coding change: c.689C>G on transcript NM_001613.4 (MANE Select); coding-DNA position 689, C replaced by G.
Protein change: p.Ala230Gly; replaces alanine 230 with glycine.
Molecular consequence: missense variant. On other transcripts: non-coding transcript variant (1).
Genome position (GRCh38, 1-based): chr10:88,939,626, G>C on the plus strand (C>G on the coding strand, the complement: ACTA2 is on the minus strand). VCF-style: chr10-88939626-G-C. GRCh37 (hg19) VCF-style: chr10-90699383-G-C.
Other names: c.689C>G, p.Ala230Gly (NM_001141945.3, NM_001406462.1, NM_001406463.1 and 2 more transcripts); c.560C>G, p.Ala187Gly (NM_001406467.1, NM_001406468.1, NM_001406469.1); c.578C>G, p.Ala193Gly (NM_001406466.1); short protein forms A230G, A187G, A193G.
Identifiers: ClinVar variation 919137 (VCV000919137.15), dbSNP rs757461793, ClinGen allele CA029229.